The following is an entry in ClinVar:

NM_000218.3(KCNQ1):c.1066_1071del (p.Gln356_Gln357del)

Gene: KCNQ1 (potassium voltage-gated channel subfamily Q member 1; plus strand). Cytogenetic location: 11p15.5.
Variant type: Deletion.
Coding change: c.1066_1071del on transcript NM_000218.3 (MANE Select); coding-DNA positions 1066 to 1071, 6 bases deleted (CAGCAG; older notation c.1066_1071delCAGCAG).
Protein change: p.Gln356_Gln357del.
Molecular consequence: inframe deletion. On other transcripts: inframe indel (3).
Genome position (GRCh38, 1-based): chr11:2,585,245-2,585,250, CAGCAG deleted; deleting any 6 consecutive bases within chr11:2,585,244-2,585,250 gives the same sequence; the c. name uses the placement nearest the transcript's 3' end. VCF-style (leftmost placement, unchanged base first): chr11-2585243-TGCAGCA-T. GRCh37 (hg19) VCF-style: chr11-2606473-TGCAGCA-T.
Other names: c.1066_1071delCAGCAG, p.Gln356_Gln357del (NM_000218.2); c.796_801delCAGCAG, p.Gln266_Gln267del (NM_001406837.1); c.685_690delCAGCAG, p.Gln229_Gln230del (NM_181798.2).
Identifiers: ClinVar variation 52947 (VCV000052947.16), dbSNP rs397508073, ClinGen allele CA005128.

ClinVar aggregate classification (germline): Conflicting classifications of pathogenicity. Review status: criteria provided, conflicting classifications (1 of 4 stars). 4 submissions from 4 submitters: Likely pathogenic (1); Uncertain significance (1). 2 of the submissions do not count toward it. Last evaluated 2024-12-05.

Conditions:
Long QT syndrome (LQTS). Identifiers: MedGen C0023976, MeSH D008133, MONDO:0002442. Disease mechanism: loss of function. Inheritance: Various modes of inheritance.
Paroxysmal atrial fibrillation. Identifiers: MedGen C0235480, MONDO:1030011, HP:0004757.
Long QT syndrome 1 (LQT1). Identifiers: Orphanet 101016, Orphanet 768, MedGen C4551647, MONDO:0100316, OMIM 192500, MONDO:0008646.
KCNQ1-related disorder. Also called: KCNQ1-related condition; KCNQ1-related disorders. Identifiers: MedGen CN239322.

Submissions (4):

Clinical Genetics Laboratory, Skane University Hospital Lund
Classification: Likely pathogenic for Paroxysmal atrial fibrillation; Long QT syndrome. Last evaluated: 2024-12-05. Review status: criteria provided, single submitter. Criteria: ACMG Guidelines, 2015. Collection method: clinical testing. Allele origin: germline. Affected: yes.
Comment: Specific KCNQ1 criteria: PS4_moderat, PM2, PM4_supporting, PP1

Labcorp Genetics (formerly Invitae), Labcorp
Classification: Uncertain significance for Long QT syndrome. Last evaluated: 2019-09-13. Review status: criteria provided, single submitter. Criteria: Invitae Variant Classification Sherloc (09022015). Collection method: clinical testing. Allele origin: germline.
Comment: This variant has been reported to segregate with long QT syndrome (LQTS) in a family and has also been reported in an independent individual that was referred for LQTS genetic testing (PMID: 14731347, 23098067). ClinVar contains an entry for this variant (Variation ID: 52947). This variant is not present in population databases (ExAC no frequency). This variant, c.1066_1071delCAGCAG, results in the deletion of 2 amino acid(s) of the KCNQ1 protein (p.Gln356_Gln357del), but otherwise preserves the integrity of the reading frame. Algorithms developed to predict the effect of sequence changes on RNA splicing suggest that this variant may create or strengthen a splice site, but this prediction has not been confirmed by published transcriptional studies. In summary, the available evidence is currently insufficient to determine the role of this variant in disease. Therefore, it has been classified as a Variant of Uncertain Significance. Experimental studies and prediction algorithms are not available for this variant, and the functional significance of the deleted amino acids is currently unknown. This variant identified in the KCNQ1 gene is located in the cytoplasmic C-terminal region of the resulting protein (PMID: 19841300, 25348405). It is unclear how this variant impacts the function of this protein.

PreventionGenetics, part of Exact Sciences
Classification: Likely pathogenic for KCNQ1-related condition. Last evaluated: 2024-06-21. Review status: no assertion criteria provided. Collection method: clinical testing. Allele origin: germline. Not counted in ClinVar's aggregate classification.
Comment: The KCNQ1 c.1066_1071del6 variant is predicted to result in an in-frame deletion (p.Gln356_Gln357del). This variant was reported to segregate with Long QT syndrome in three individuals in a family (Liang et al. 2003. PubMed ID: 14731347). This variant was also documented in an unrelated individual referred for Long QT syndrome genetic testing (Stattin et al. 2012. PubMed ID: 23098067). This variant was also reported, along with a missense KCNQ1 variant, in an individual with Jervell and Lange-Nielsen syndrome (Cepeda-Nieto et al. 2021. PubMed ID: 34165182). This variant is predicted to alter splicing based on available splicing prediction programs (SpliceAI, Jaganathan et al. 2019. PubMed ID: 30661751). However, such prediction programs are imperfect and cannot substitute for mRNA studies. This variant has not been reported in a large population database, indicating this variant is rare. At PreventionGenetics, this variant was found to segregate with Long QT syndrome in a family (internal data). Taken together, this variant is interpreted as likely pathogenic.

ClinVar Staff, National Center for Biotechnology Information (NCBI)
No classification provided. Condition: Long QT syndrome, LQT1 subtype. Review status: no classification provided. Collection method: literature only. Allele origin: germline. Affected: yes. Not counted in ClinVar's aggregate classification.

Literature cited by the submitters: PubMed 14731347 (cited by Labcorp Genetics (formerly Invitae), Labcorp and ClinVar Staff, National Center for Biotechnology Information (NCBI)); PubMed 23098067 (cited by Labcorp Genetics (formerly Invitae), Labcorp); PubMed 19841300 (cited by Labcorp Genetics (formerly Invitae), Labcorp); PubMed 25348405 (cited by Labcorp Genetics (formerly Invitae), Labcorp).